The following is an entry in ClinVar:

NM_198578.4(LRRK2):c.3513G>T (p.Leu1171Phe)

Gene: LRRK2 (leucine rich repeat kinase 2; plus strand). Cytogenetic location: 12q12.
Variant type: single nucleotide variant.
Coding change: c.3513G>T on transcript NM_198578.4 (MANE Select); coding-DNA position 3513, G replaced by T.
Protein change: p.Leu1171Phe; replaces leucine 1171 with phenylalanine.
Molecular consequence: missense variant.
Genome position (GRCh38, 1-based): chr12:40,302,805, G>T. VCF-style: chr12-40302805-G-T. GRCh37 (hg19) VCF-style: chr12-40696607-G-T.
Other names: short protein forms L1171F.
Identifiers: ClinVar variation 4714569 (VCV004714569.1).

ClinVar aggregate classification (germline): Uncertain significance (1 of 4 stars; one submission).

Conditions:
Autosomal dominant Parkinson disease 8. Also called: Parkinson disease 8, susceptibility to; LRRK2-Related Parkinson Disease; Parkinson disease 8. Identifiers: Orphanet 411602, MedGen C1846862, MONDO:0011764, OMIM 607060.

Submission:

Labcorp Genetics (formerly Invitae), Labcorp
Classification: Uncertain significance for Autosomal dominant Parkinson disease 8. Last evaluated: 2025-09-21. Review status: criteria provided, single submitter. Criteria: Invitae Variant Classification Sherloc (09022015). Collection method: clinical testing. Allele origin: germline.
Comment: This sequence change replaces leucine, which is neutral and non-polar, with phenylalanine, which is neutral and non-polar, at codon 1171 of the LRRK2 protein (p.Leu1171Phe). This variant is not present in population databases (gnomAD no frequency). This variant has not been reported in the literature in individuals affected with LRRK2-related conditions. Invitae Evidence Modeling of protein sequence and biophysical properties (such as structural, functional, and spatial information, amino acid conservation, physicochemical variation, residue mobility, and thermodynamic stability) has been performed for this missense variant. However, the output from this modeling did not meet the statistical confidence thresholds required to predict the impact of this variant on LRRK2 protein function. In summary, the available evidence is currently insufficient to determine the role of this variant in disease. Therefore, it has been classified as a Variant of Uncertain Significance.